The following is an entry in ClinVar:

ClinVar aggregate classification (germline): Uncertain significance. Review status: criteria provided, multiple submitters, no conflicts (2 of 4 stars). 2 submissions from 2 submitters: Uncertain significance (2). Last evaluated 2019-05-01.

Conditions:
Hereditary cancer-predisposing syndrome. Also called: Neoplastic Syndromes, Hereditary; Tumor predisposition; Hereditary Cancer Syndrome; Hereditary neoplastic syndrome. Identifiers: Orphanet 140162, MedGen C0027672, MeSH D009386, MONDO:0015356.
Hereditary breast ovarian cancer syndrome. Also called: Hereditary breast and/or ovarian cancer syndrome; BRCA1- and BRCA2-Associated Hereditary Breast and Ovarian Cancer; Hereditary breast and ovarian cancer syndrome; Hereditary breast and ovarian cancer; Hereditary breast and ovarian cancer syndrome (HBOC); Breast and ovarian cancer. Identifiers: Orphanet 145, MedGen C0677776, MeSH D061325, MONDO:0003582. Disease mechanism: loss of function.

Submissions (2):

Cancer Genomics Group, Japanese Foundation For Cancer Research
Classification: Uncertain significance for Hereditary breast and ovarian cancer syndrome. Last evaluated: 2019-05-01. Review status: criteria provided, single submitter. Criteria: ACMG Guidelines, 2015. Collection method: research. Allele origin: germline. Affected: yes.

Ambry Genetics
Classification: Uncertain significance for Hereditary cancer-predisposing syndrome. Last evaluated: 2018-02-08. Review status: criteria provided, single submitter. Criteria: Ambry Variant Classification Scheme 2023. Collection method: clinical testing. Allele origin: germline.
Comment: The p.H766L variant (also known as c.2297A>T), located in coding exon 4 of the MSH6 gene, results from an A to T substitution at nucleotide position 2297. The histidine at codon 766 is replaced by leucine, an amino acid with similar properties. This amino acid position is not well conserved in available vertebrate species. In addition, this alteration is predicted to be tolerated by in silico analysis. Since supporting evidence is limited at this time, the clinical significance of this alteration remains unclear.

NM_000179.3(MSH6):c.2297A>T (p.His766Leu)

Gene: MSH6 (mutS homolog 6; plus strand). Cytogenetic location: 2p16.3.
Variant type: single nucleotide variant.
Coding change: c.2297A>T on transcript NM_000179.3 (MANE Select); coding-DNA position 2297, A replaced by T.
Protein change: p.His766Leu; replaces histidine 766 with leucine.
Molecular consequence: missense variant.
Genome position (GRCh38, 1-based): chr2:47,800,280, A>T. VCF-style: chr2-47800280-A-T. GRCh37 (hg19) VCF-style: chr2-48027419-A-T.
Other names: c.1907A>T, p.His636Leu (NM_001281492.2); c.1391A>T, p.His464Leu (NM_001281493.2, NM_001281494.2); short protein forms H464L, H636L, H766L.
Identifiers: ClinVar variation 821024 (VCV000821024.6), dbSNP rs1060502870, ClinGen allele CA346753000.